The following is an entry in ClinVar:

NM_007294.4(BRCA1):c.5470A>C (p.Ile1824Leu)

Gene: BRCA1 (BRCA1 DNA repair associated; minus strand). Cytogenetic location: 17q21.31.
Variant type: single nucleotide variant.
Coding change: c.5470A>C on transcript NM_007294.4 (MANE Select); coding-DNA position 5470, A replaced by C.
Protein change: p.Ile1824Leu; replaces isoleucine 1824 with leucine.
Molecular consequence: missense variant. On other transcripts: non-coding transcript variant (1).
Genome position (GRCh38, 1-based): chr17:43,045,800, T>G on the plus strand (A>C on the coding strand, the complement: BRCA1 is on the minus strand). VCF-style: chr17-43045800-T-G. GRCh37 (hg19) VCF-style: chr17-41197817-T-G.
Other names: c.5344A>C, p.Ile1782Leu (NM_001407671.1, NM_001407672.1, NM_001407673.1 and 8 more transcripts); c.5341A>C, p.Ile1781Leu (NM_001407684.1, NM_001407685.1, NM_001407686.1 and 6 more transcripts); c.5338A>C, p.Ile1780Leu (NM_001407690.1, NM_001407691.1); c.5329A>C, p.Ile1777Leu (NM_001407692.1, NM_001407694.1, NM_001407729.1 and 12 more transcripts); c.5326A>C, p.Ile1776Leu (NM_001407732.1, NM_001407733.1, NM_001407734.1 and 18 more transcripts); c.5323A>C, p.Ile1775Leu (NM_001407838.1, NM_001407839.1, NM_001407841.1 and 12 more transcripts); c.5396A>C, p.Asn1799Thr (NM_001407854.1); c.5393A>C, p.Asn1798Thr (NM_001407858.1, NM_001407859.1, NM_001407860.1); and 83 more; short protein forms I1777L, I720L, I1845L, N695T, I1824L, I1527L, I1712L, I1713L.
Identifiers: ClinVar variation 867575 (VCV000867575.3), dbSNP rs587782026, ClinGen allele CA10590401.

Conditions:
Breast-ovarian cancer, familial, susceptibility to, 1 (BROVCA1). Also called: BRCA1 Hereditary Breast and Ovarian Cancer; OVARIAN CANCER, SUSCEPTIBILITY TO. Identifiers: Orphanet 145, MedGen C2676676, MONDO:0011450, OMIM 604370. Disease mechanism: loss of function.

Submission:

Brotman Baty Institute, University of Washington
No classification provided (evidence only). Condition: Breast-ovarian cancer, familial 1. Review status: no classification provided. Collection method: in vitro. Allele origin: not applicable. Functional consequence: functionally_normal.
ClinVar note: "not provided" was previously submitted as the classification for the variant. However, the classification appeared to be based only on an observation of functional data so it was converted to no classification on 2025-07-30.